The following is an entry in ClinVar:

ClinVar aggregate classification (germline): Conflicting classifications of pathogenicity. Review status: criteria provided, conflicting classifications (1 of 4 stars). 2 submissions from 2 submitters: Uncertain significance (1); Benign (1). Last evaluated 2022-04-08.

gnomAD v4.1: 3 of 1,209,969 alleles (0.00025%); highest among the groups gnomAD compares: African/African-American, 0.0052%; no homozygotes.

Submissions (2):

Labcorp Genetics (formerly Invitae), Labcorp
Classification: Benign. Last evaluated: 2022-04-08. Review status: criteria provided, single submitter. Criteria: Invitae Variant Classification Sherloc (09022015). Collection method: clinical testing. Allele origin: germline.

Ambry Genetics
Classification: Uncertain significance. Last evaluated: 2018-05-14. Review status: criteria provided, single submitter. Criteria: Ambry Variant Classification Scheme 2023. Collection method: clinical testing. Allele origin: germline.
Comment: The p.Y950C variant (also known as c.2849A>G), located in coding exon 2 of the KIAA2022 gene, results from an A to G substitution at nucleotide position 2849. The tyrosine at codon 950 is replaced by cysteine, an amino acid with highly dissimilar properties. This amino acid position is not well conserved in available vertebrate species, and cysteine is the reference amino acid in other vertebrate species. In addition, the in silico prediction for this alteration is inconclusive. Since supporting evidence is limited at this time, the clinical significance of this alteration remains unclear.

NM_001008537.3(NEXMIF):c.2849A>G (p.Tyr950Cys)

Gene: NEXMIF (neurite extension and migration factor; minus strand). Cytogenetic location: Xq13.3.
Variant type: single nucleotide variant.
Coding change: c.2849A>G on transcript NM_001008537.3 (MANE Select); coding-DNA position 2849, A replaced by G.
Protein change: p.Tyr950Cys; replaces tyrosine 950 with cysteine.
Molecular consequence: missense variant.
Genome position (GRCh38, 1-based): chrX:74,741,708, T>C on the plus strand (A>G on the coding strand, the complement: NEXMIF is on the minus strand). VCF-style: chrX-74741708-T-C. GRCh37 (hg19) VCF-style: chrX-73961543-T-C.
Other names: short protein forms Y950C.
Identifiers: ClinVar variation 1613281 (VCV001613281.10), dbSNP rs373566578, ClinGen allele CA10455000.